The following is an entry in ClinVar:

NM_001136472.2(LITAF):c.*99C>T

Gene: LITAF (lipopolysaccharide induced TNF factor; minus strand). Cytogenetic location: 16p13.13.
Variant type: single nucleotide variant.
Coding change: c.*99C>T on transcript NM_001136472.2 (MANE Select); 99 bases downstream of the stop codon, C replaced by T.
Molecular consequence: 3 prime UTR variant. On other transcripts: non-coding transcript variant (1).
Genome position (GRCh38, 1-based): chr16:11,549,538, G>A on the plus strand (C>T on the coding strand, the complement: LITAF is on the minus strand). VCF-style: chr16-11549538-G-A. GRCh37 (hg19) VCF-style: chr16-11643394-G-A.
Other names: c.*224C>T (NM_001136473.1); c.*99C>T (NM_004862.4).
Identifiers: ClinVar variation 317777 (VCV000317777.39), dbSNP rs149712652, ClinGen allele CA7903978.

ClinVar aggregate classification (germline): Benign/Likely benign. Review status: criteria provided, multiple submitters, no conflicts (2 of 4 stars). 4 submissions from 4 submitters: Benign (2); Likely benign (2). Last evaluated 2023-04-01.

Conditions:
Charcot-Marie-Tooth disease type 1C. Also called: Charcot-Marie-Tooth disease, type IC; HMSN IC; CHARCOT-MARIE-TOOTH DISEASE, DEMYELINATING, TYPE 1C; CMT, SLOW NERVE CONDUCTION TYPE C; CHARCOT-MARIE-TOOTH NEUROPATHY, TYPE 1C; NEUROPATHY, HEREDITARY MOTOR AND SENSORY, TYPE IC. Identifiers: Orphanet 101083, MedGen C0270913, MONDO:0010995, OMIM 601098.

Allele frequency attached by ClinVar (database versions not stated): 1000 Genomes Project 0.00439; gnomAD 0.00476 and 0.00497; 1000 Genomes Project 30x 0.00484; TOPMed 0.00487; gnomAD exomes 0.00659 and 0.00667; ExAC 0.01184.
gnomAD v4.1: 5,513 of 874,244 alleles (0.63%); highest among the groups gnomAD compares: South Asian, 1.5%; 28 homozygotes.

Submissions (4):

CeGaT Center for Human Genetics Tuebingen
Classification: Benign. Last evaluated: 2023-04-01. Review status: criteria provided, single submitter. Criteria: CeGaT Center For Human Genetics Tuebingen Variant Classification Criteria Version 2. Collection method: clinical testing. Allele origin: germline. Affected: yes. Observed: 5 variant alleles.
Comment: LITAF: BS1, BS2

GeneDx
Classification: Likely benign. Last evaluated: 2018-08-30. Review status: criteria provided, single submitter. Criteria: GeneDx Variant Classification Process June 2021. Collection method: clinical testing. Allele origin: germline. Affected: yes.

Illumina Laboratory Services, Illumina
Classification: Benign for Charcot-Marie-Tooth disease type 1C. Last evaluated: 2018-01-13. Review status: criteria provided, single submitter. Criteria: ICSL Variant Classification Criteria 13 December 2019. Collection method: clinical testing. Allele origin: germline.
Comment: This variant was observed in the ICSL laboratory as part of a predisposition screen in an ostensibly healthy population. It had not been previously curated by ICSL or reported in the Human Gene Mutation Database (HGMD: prior to June 1st, 2018), and was therefore a candidate for classification through an automated scoring system. Utilizing variant allele frequency, disease prevalence and penetrance estimates, and inheritance mode, an automated score was calculated to assess if this variant is too frequent to cause the disease. Based on the score and internal cut-off values, a variant classified as benign is not then subjected to further curation. The score for this variant resulted in a classification of benign for this disease.

Breakthrough Genomics
Classification: Likely benign. Review status: criteria provided, single submitter. Criteria: ACMG Guidelines, 2015. Collection method: not provided. Allele origin: germline. Inheritance: Autosomal dominant inheritance. Affected: yes.